The following is an entry in ClinVar:

ClinVar aggregate classification (germline): Uncertain significance (1 of 4 stars; one submission).

Conditions:
Deafness-lymphedema-leukemia syndrome. Also called: Lymphedema, primary, with myelodysplasia; Emberger syndrome. Identifiers: Orphanet 3226, MedGen C3279664, MONDO:0013540, OMIM 614038.
Monocytopenia with susceptibility to infections. Also called: IMMUNODEFICIENCY 21; GATA2 DEFICIENCY; MONOCYTOPENIA AND MYCOBACTERIAL INFECTION SYNDROME; MONOCYTOPENIA WITH SUSCEPTIBILITY TO MYCOBACTERIAL, FUNGAL, AND PAPILLOMAVIRUS INFECTIONS AND MYELODYSPLASIA; COMBINED IMMUNODEFICIENCY WITH SUSCEPTIBILITY TO MYCOBACTERIAL, VIRAL, AND FUNGAL INFECTIONS; Dendritic cell, monocyte, B lymphocyte, and natural killer lymphocyte deficiency. Identifiers: Orphanet 228423, MedGen C3280030, MONDO:0013607, OMIM 614172.

Submission:

Labcorp Genetics (formerly Invitae), Labcorp
Classification: Uncertain significance for Monocytopenia with susceptibility to infections; Deafness-lymphedema-leukemia syndrome. Last evaluated: 2023-08-07. Review status: criteria provided, single submitter. Criteria: Invitae Variant Classification Sherloc (09022015). Collection method: clinical testing. Allele origin: germline.
Comment: In summary, the available evidence is currently insufficient to determine the role of this variant in disease. Therefore, it has been classified as a Variant of Uncertain Significance. Advanced modeling of protein sequence and biophysical properties (such as structural, functional, and spatial information, amino acid conservation, physicochemical variation, residue mobility, and thermodynamic stability) performed at Invitae indicates that this missense variant is expected to disrupt GATA2 protein function. This variant has not been reported in the literature in individuals affected with GATA2-related conditions. This variant is not present in population databases (gnomAD no frequency). This sequence change replaces proline, which is neutral and non-polar, with serine, which is neutral and polar, at codon 456 of the GATA2 protein (p.Pro456Ser).

NM_032638.5(GATA2):c.1366C>T (p.Pro456Ser)

Gene: GATA2 (GATA binding protein 2; minus strand). Cytogenetic location: 3q21.3.
Variant type: single nucleotide variant.
Coding change: c.1366C>T on transcript NM_032638.5 (MANE Select); coding-DNA position 1366, C replaced by T.
Protein change: p.Pro456Ser; replaces proline 456 with serine.
Molecular consequence: missense variant.
Genome position (GRCh38, 1-based): chr3:128,481,096, G>A on the plus strand (C>T on the coding strand, the complement: GATA2 is on the minus strand). VCF-style: chr3-128481096-G-A. GRCh37 (hg19) VCF-style: chr3-128199939-G-A.
Other names: c.1366C>T, p.Pro456Ser (NM_001145661.2); c.1324C>T, p.Pro442Ser (NM_001145662.1); short protein forms P456S, P442S.
Identifiers: ClinVar variation 2932808 (VCV002932808.3), dbSNP rs2068621421, ClinGen allele CA354412620.